The following is an entry in ClinVar:

NM_032242.4(PLXNA1):c.4227G>A (p.Lys1409=)

Gene: PLXNA1 (plexin A1; plus strand). Cytogenetic location: 3q21.3.
Variant type: single nucleotide variant.
Coding change: c.4227G>A on transcript NM_032242.4 (MANE Select); coding-DNA position 4227, G replaced by A.
Protein change: p.Lys1409=; no amino-acid change (lysine 1409 retained).
Molecular consequence: synonymous variant.
Genome position (GRCh38, 1-based): chr3:127,022,273, G>A. VCF-style: chr3-127022273-G-A. GRCh37 (hg19) VCF-style: chr3-126741116-G-A.
Identifiers: ClinVar variation 4980962 (VCV004980962.1).

ClinVar aggregate classification (germline): Likely benign (1 of 4 stars; one submission).

Conditions:
PLXNA1-related disorder. Also called: PLXNA1-related condition.

gnomAD v4.1: 26 of 1,613,442 alleles (0.0016%); highest among the groups gnomAD compares: East Asian, 0.049%; no homozygotes.

Submission:

PreventionGenetics, part of Exact Sciences
Classification: Likely benign for PLXNA1-related condition. Last evaluated: 2025-08-07. Review status: criteria provided, single submitter. Criteria: ACMG Guidelines, 2015. Collection method: clinical testing. Allele origin: germline.
Comment: This variant is classified as likely benign based on ACMG/AMP sequence variant interpretation guidelines (Richards et al. 2015 PMID: 25741868, with internal and published modifications).